The following is an entry in ClinVar:

NM_001851.6(COL9A1):c.1342-27CTTTT[3]

Gene: COL9A1 (collagen type IX alpha 1 chain; minus strand). Cytogenetic location: 6q13.
Variant type: Microsatellite.
Coding change: c.1342-27CTTTT[3] on transcript NM_001851.6 (MANE Select); three copies in a row of the 5-base unit CTTTT starting at c.1342-27; the reference has two copies in a row; one copy, 5 bases duplicated.
Molecular consequence: intron variant.
Genome position (GRCh38, 1-based): chr6:70,263,315-70,263,319, AAAAG duplicated on the plus strand (CTTTT on the coding strand, the reverse complement: COL9A1 is on the minus strand); duplicating any 5 consecutive bases within chr6:70,263,315-70,263,324 gives the same sequence; the position shown is the placement nearest the transcript's 3' end. VCF-style (leftmost placement, unchanged base first): chr6-70263314-A-AAAAAG. GRCh37 (hg19) VCF-style: chr6-70973017-A-AAAAAG.
Other names: c.613-27CTTTT[3] (NM_001377290.1, NM_078485.4, NM_001377289.1); c.1342-22_1342-18dupCTTTT (NM_001851.6, NM_001851.4).
Identifiers: ClinVar variation 506468 (VCV000506468.16), dbSNP rs543377381, ClinGen allele CA3882267.

ClinVar aggregate classification (germline): Benign/Likely benign. Review status: criteria provided, multiple submitters, no conflicts (2 of 4 stars). 6 submissions from 6 submitters: Benign (2); Likely benign (2). 2 of the submissions do not count toward it. Last evaluated 2026-05-21.

Submissions (6):

Women's Health and Genetics/Laboratory Corporation of America, LabCorp
Classification: Benign. Last evaluated: 2026-05-21. Review status: criteria provided, single submitter. Criteria: LabCorp Variant Classification Summary - May 2015. Collection method: clinical testing. Allele origin: germline.
Comment: Variant summary: COL9A1 c.1342-22_1342-18dupCTTTT alters a non-conserved nucleotide located at a position not widely known to affect splicing. Consensus agreement among computation tools predict no significant impact on normal splicing. However, these predictions have yet to be confirmed by functional studies. The variant allele was found at a frequency of 0.00084 in 244822 control chromosomes, predominantly at a frequency of 0.01 within the African or African-American subpopulation in the gnomAD database. The observed variant frequency within African or African-American control individuals in the gnomAD database exceeds the estimated maximal expected allele frequency for disease-causing variants in COL9A1. To our knowledge, no occurrence of c.1342-22_1342-18dupCTTTT in individuals affected with COL9A1-related conditions and no experimental evidence demonstrating its impact on protein function have been reported. ClinVar contains an entry for this variant (Variation ID: 506468). Based on the evidence outlined above, the variant was classified as benign.

Labcorp Genetics (formerly Invitae), Labcorp
Classification: Benign. Last evaluated: 2026-02-02. Review status: criteria provided, single submitter. Criteria: Invitae Variant Classification Sherloc (09022015). Collection method: clinical testing. Allele origin: germline.

Blueprint Genetics
Classification: Likely benign. Last evaluated: 2024-09-11. Review status: criteria provided, single submitter. Criteria: ACMG Guidelines, 2015. Collection method: clinical testing. Allele origin: germline.

GeneDx
Classification: Likely benign. Last evaluated: 2018-01-29. Review status: criteria provided, single submitter. Criteria: GeneDx Variant Classification (06012015). Collection method: clinical testing. Allele origin: germline. Affected: yes.
Comment: This variant is considered likely benign or benign based on one or more of the following criteria: it is a conservative change, it occurs at a poorly conserved position in the protein, it is predicted to be benign by multiple in silico algorithms, and/or has population frequency not consistent with disease.

Clinical Genetics, Academic Medical Center
Classification: Benign. Review status: no assertion criteria provided. Collection method: clinical testing. Allele origin: germline. Affected: yes. Study: VKGL Data-share Consensus. Not counted in ClinVar's aggregate classification.

Genome Diagnostics Laboratory, Amsterdam University Medical Center
Classification: Benign. Review status: no assertion criteria provided. Collection method: clinical testing. Allele origin: germline. Affected: yes. Study: VKGL Data-share Consensus. Not counted in ClinVar's aggregate classification.